The following is an entry in ClinVar:

ClinVar aggregate classification (germline): Uncertain significance (1 of 4 stars; one submission).

gnomAD v4.1: 16 of 1,613,980 alleles (0.00099%); highest among the groups gnomAD compares: Admixed American, 0.0017%; no homozygotes.

Submission:

Labcorp Genetics (formerly Invitae), Labcorp
Classification: Uncertain significance. Last evaluated: 2024-09-18. Review status: criteria provided, single submitter. Criteria: Invitae Variant Classification Sherloc (09022015). Collection method: clinical testing. Allele origin: germline.
Comment: This sequence change replaces proline, which is neutral and non-polar, with leucine, which is neutral and non-polar, at codon 69 of the PHF21A protein (p.Pro69Leu). This variant is present in population databases (no rsID available, gnomAD 0.007%). This variant has not been reported in the literature in individuals affected with PHF21A-related conditions. Invitae Evidence Modeling of protein sequence and biophysical properties (such as structural, functional, and spatial information, amino acid conservation, physicochemical variation, residue mobility, and thermodynamic stability) indicates that this missense variant is not expected to disrupt PHF21A protein function with a negative predictive value of 80%. In summary, the available evidence is currently insufficient to determine the role of this variant in disease. Therefore, it has been classified as a Variant of Uncertain Significance.

NM_001352027.3(PHF21A):c.206C>T (p.Pro69Leu)

Gene: PHF21A (PHD finger protein 21A; minus strand). Cytogenetic location: 11p11.2.
Variant type: single nucleotide variant.
Coding change: c.206C>T on transcript NM_001352027.3 (MANE Select); coding-DNA position 206, C replaced by T.
Protein change: p.Pro69Leu; replaces proline 69 with leucine.
Molecular consequence: missense variant. On other transcripts: non-coding transcript variant (2).
Genome position (GRCh38, 1-based): chr11:45,979,914, G>A on the plus strand (C>T on the coding strand, the complement: PHF21A is on the minus strand). VCF-style: chr11-45979914-G-A. GRCh37 (hg19) VCF-style: chr11-46001465-G-A.
Other names: c.206C>T, p.Pro69Leu (NM_001101802.3, NM_001352025.3, NM_001352026.3 and 6 more transcripts); short protein forms P69L.
Identifiers: ClinVar variation 3707316 (VCV003707316.2).